The following is an entry in ClinVar:

ClinVar aggregate classification (germline): Uncertain significance. Review status: criteria provided, multiple submitters, no conflicts (2 of 4 stars). 3 submissions from 3 submitters: Uncertain significance (3). Last evaluated 2025-05-05.

Conditions:
Cardiovascular phenotype. Identifiers: MedGen CN230736.
Hereditary cancer-predisposing syndrome. Also called: Neoplastic Syndromes, Hereditary; Hereditary neoplastic syndrome; Hereditary Cancer Syndrome; Tumor predisposition. Identifiers: Orphanet 140162, MedGen C0027672, MeSH D009386, MONDO:0015356.
Neurofibromatosis, type 1 (NF1). Also called: VON RECKLINGHAUSEN DISEASE; NEUROFIBROMATOSIS, TYPE I, SOMATIC; Peripheral type neurofibromatosis; Neurofibromatosis, type I. Identifiers: Orphanet 636, MedGen C0027831, MONDO:0018975, OMIM 162200. Disease mechanism: loss of function.

Allele frequency attached by ClinVar (database versions not stated): TOPMed below 0.00001.

Submissions (3):

Ambry Genetics
Classification: Uncertain significance for Cardiovascular phenotype; Hereditary cancer-predisposing syndrome. Last evaluated: 2025-05-05. Review status: criteria provided, single submitter. Criteria: Ambry Variant Classification Scheme 2023. Collection method: clinical testing. Allele origin: germline.
Comment: The p.Q236R variant (also known as c.707A>G), located in coding exon 7 of the NF1 gene, results from an A to G substitution at nucleotide position 707. The glutamine at codon 236 is replaced by arginine, an amino acid with highly similar properties. This amino acid position is highly conserved in available vertebrate species. In addition, this alteration is predicted to be deleterious by in silico analysis. Based on the available evidence, the clinical significance of this variant remains unclear.

Labcorp Genetics (formerly Invitae), Labcorp
Classification: Uncertain significance for Neurofibromatosis, type 1. Last evaluated: 2023-12-07. Review status: criteria provided, single submitter. Criteria: Invitae Variant Classification Sherloc (09022015). Collection method: clinical testing. Allele origin: germline.
Comment: This sequence change replaces glutamine, which is neutral and polar, with arginine, which is basic and polar, at codon 236 of the NF1 protein (p.Gln236Arg). This variant is not present in population databases (gnomAD no frequency). This variant has not been reported in the literature in individuals affected with NF1-related conditions. ClinVar contains an entry for this variant (Variation ID: 657228). Advanced modeling of protein sequence and biophysical properties (such as structural, functional, and spatial information, amino acid conservation, physicochemical variation, residue mobility, and thermodynamic stability) has been performed at Invitae for this missense variant, however the output from this modeling did not meet the statistical confidence thresholds required to predict the impact of this variant on NF1 protein function. In summary, the available evidence is currently insufficient to determine the role of this variant in disease. Therefore, it has been classified as a Variant of Uncertain Significance.

GeneDx
Classification: Uncertain significance. Last evaluated: 2022-11-02. Review status: criteria provided, single submitter. Criteria: GeneDx Variant Classification Process June 2021. Collection method: clinical testing. Allele origin: germline. Affected: yes.
Comment: Not observed at significant frequency in large population cohorts (gnomAD); In silico analysis supports that this missense variant does not alter protein structure/function; Has not been previously published as pathogenic or benign to our knowledge

NM_001042492.3(NF1):c.707A>G (p.Gln236Arg)

Gene: NF1 (neurofibromin 1; plus strand). Cytogenetic location: 17q11.2.
Variant type: single nucleotide variant.
Coding change: c.707A>G on transcript NM_001042492.3 (MANE Select); coding-DNA position 707, A replaced by G.
Protein change: p.Gln236Arg; replaces glutamine 236 with arginine.
Molecular consequence: missense variant.
Genome position (GRCh38, 1-based): chr17:31,181,762, A>G. VCF-style: chr17-31181762-A-G. GRCh37 (hg19) VCF-style: chr17-29508780-A-G.
Other names: c.707A>G, p.Gln236Arg (NM_000267.4, NM_001128147.3); short protein forms Q236R.
Identifiers: ClinVar variation 657228 (VCV000657228.6), dbSNP rs1321998864, ClinGen allele CA398990084.